The following is an entry in ClinVar:

NM_001106.4(ACVR2B):c.811-9T>C

Gene: ACVR2B (activin A receptor type 2B; plus strand). Cytogenetic location: 3p22.2.
Variant type: single nucleotide variant.
Coding change: c.811-9T>C on transcript NM_001106.4 (MANE Select); 9 bases into the intron before coding-DNA position 811, T replaced by C.
Molecular consequence: intron variant.
Genome position (GRCh38, 1-based): chr3:38,479,669, T>C. VCF-style: chr3-38479669-T-C. GRCh37 (hg19) VCF-style: chr3-38521160-T-C.
Identifiers: ClinVar variation 3051526 (VCV003051526.3), dbSNP rs776301711, ClinGen allele CA906862633.

ClinVar aggregate classification (germline): Likely benign. Review status: criteria provided, single submitter (1 of 4 stars). 2 submissions from 2 submitters: Likely benign (1). 1 of the submissions does not count toward it. Last evaluated 2026-01-15.

Conditions:
ACVR2B-related disorder. Also called: ACVR2B-related condition.
Heterotaxy, visceral, 4, autosomal (HTX4). Identifiers: Orphanet 450, MedGen C3151057, MONDO:0013403, OMIM 613751.

Allele frequency attached by ClinVar (database versions not stated): TOPMed below 0.00001.

Submissions (2):

Labcorp Genetics (formerly Invitae), Labcorp
Classification: Likely benign for Heterotaxy, visceral, 4, autosomal. Last evaluated: 2026-01-15. Review status: criteria provided, single submitter. Criteria: Invitae Variant Classification Sherloc (09022015). Collection method: clinical testing. Allele origin: germline.

PreventionGenetics, part of Exact Sciences
Classification: Likely benign for ACVR2B-related condition. Last evaluated: 2020-01-28. Review status: no assertion criteria provided. Collection method: clinical testing. Allele origin: germline. Not counted in ClinVar's aggregate classification.
Comment: This variant is classified as likely benign based on ACMG/AMP sequence variant interpretation guidelines (Richards et al. 2015 PMID: 25741868, with internal and published modifications).